The following is an entry in ClinVar:

ClinVar aggregate classification (germline): Pathogenic/Likely pathogenic. Review status: criteria provided, multiple submitters, no conflicts (2 of 4 stars). 2 submissions from 2 submitters: Pathogenic (1); Likely pathogenic (1). Last evaluated 2025-01-31.

Conditions:
Menke-Hennekam syndrome 1 (MKHK1). Identifiers: MedGen C5193034, MONDO:0020763, OMIM 618332.
Rubinstein-Taybi syndrome due to CREBBP mutations (RSTS1). Also called: RUBINSTEIN-TAYBI SYNDROME 1, INCOMPLETE; BROAD THUMB-HALLUX SYNDROME; Rubinstein-Taybi syndrome 1; BROAD THUMBS AND GREAT TOES, CHARACTERISTIC FACIES, AND IMPAIRED INTELLECTUAL DEVELOPMENT; RUBINSTEIN SYNDROME; CREBBP-Related Rubinstein-Taybi Syndrome. Identifiers: Orphanet 353277, Orphanet 783, MedGen C4551859, MONDO:0008393, OMIM 180849.

Submissions (2):

Institute of Medical Genetics and Applied Genomics, University Hospital Tübingen
Classification: Likely pathogenic for Menke-Hennekam syndrome 1. Last evaluated: 2025-01-31. Review status: criteria provided, single submitter. Criteria: ACMG Guidelines, 2015. Collection method: clinical testing. Allele origin: de novo. Inheritance: Autosomal dominant inheritance. Affected: yes.

Mendelics
Classification: Pathogenic for Rubinstein-Taybi syndrome due to CREBBP mutations. Last evaluated: 2022-05-04. Review status: criteria provided, single submitter. Criteria: Mendelics Assertion Criteria 2019. Collection method: clinical testing. Allele origin: germline.

NM_004380.3(CREBBP):c.5169C>G (p.Cys1723Trp)

Gene: CREBBP (CREB binding lysine acetyltransferase; minus strand). Cytogenetic location: 16p13.3.
Variant type: single nucleotide variant.
Coding change: c.5169C>G on transcript NM_004380.3 (MANE Select); coding-DNA position 5169, C replaced by G.
Protein change: p.Cys1723Trp; replaces cysteine 1723 with tryptophan.
Molecular consequence: missense variant.
Genome position (GRCh38, 1-based): chr16:3,731,195, G>C on the plus strand (C>G on the coding strand, the complement: CREBBP is on the minus strand). VCF-style: chr16-3731195-G-C. GRCh37 (hg19) VCF-style: chr16-3781196-G-C.
Other names: c.5055C>G, p.Cys1685Trp (NM_001079846.1); short protein forms C1685W, C1723W.
Identifiers: ClinVar variation 1685673 (VCV001685673.2), dbSNP rs146718571, ClinGen allele CA394557997.